The following is an entry in ClinVar:

ClinVar aggregate classification (germline): Uncertain significance (0 of 4 stars; one submission).

Conditions:
Prostate cancer. Also called: Malignant tumor of prostate. Identifiers: Orphanet 1331, MedGen C0376358, MONDO:0008315, HP:0012125.

Allele frequency attached by ClinVar (database versions not stated): gnomAD exomes 0.00001 and 0.00002; gnomAD 0.00001; ExAC 0.00002; TOPMed 0.00002.
gnomAD v4.1: 30 of 1,614,022 alleles (0.0019%); highest among the groups gnomAD compares: East Asian, 0.0045%; no homozygotes.

Submission:

Science for Life laboratory,  Karolinska Institutet
Classification: Uncertain significance for Malignant tumor of prostate. Review status: no assertion criteria provided. Collection method: not provided. Allele origin: somatic.
Comment: TumorID:SWE-2
ClinVar note: Converted during submission from Unknown to Uncertain significance.

NM_001029884.3(PLEKHG1):c.2293C>T (p.Arg765Trp)

Gene: PLEKHG1 (pleckstrin homology and RhoGEF domain containing G1; plus strand). Cytogenetic location: 6q25.1.
Variant type: single nucleotide variant.
Coding change: c.2293C>T on transcript NM_001029884.3 (MANE Select); coding-DNA position 2293, C replaced by T.
Protein change: p.Arg765Trp; replaces arginine 765 with tryptophan.
Molecular consequence: missense variant. On other transcripts: intron variant (3).
Genome position (GRCh38, 1-based): chr6:150,831,404, C>T. VCF-style: chr6-150831404-C-T. GRCh37 (hg19) VCF-style: chr6-151152540-C-T.
Other names: c.2470C>T, p.Arg824Trp (NM_001329798.2); c.2413C>T, p.Arg805Trp (NM_001329799.2); c.2293C>T, p.Arg765Trp (NM_001329800.2, NM_001329801.2); c.2254C>T, p.Arg752Trp (NM_001329802.2); c.2176C>T, p.Arg726Trp (NM_001329803.2); c.1616+677C>T (NM_001329804.2, NM_001329805.2, NM_001329806.2); short protein forms R765W, R726W, R805W, R752W, R824W.
Identifiers: ClinVar variation 161500 (VCV000161500.2), dbSNP rs193920959, ClinGen allele CA174149.
Genomic context (GRCh38, chr6:150,831,404, plus strand): 5'-ATAGGGCTCCCAGATCCTCCGTCGCTGGGTTTTAAGTGCAGCAGCCTAAAGCGTGCAAAG[C>T]GGAGCACCTTTTTGGGTCTGGAGGCCGACTTCGTGTGCTGTGACAGCCTGAGGCCATTTG-3'
Protein context (NP_001025055.1, residues 755-775): FKCSSLKRAK[Arg765Trp]STFLGLEADF